The following is an entry in ClinVar:

NM_001040108.2(MLH3):c.2320G>A (p.Glu774Lys)

Gene: MLH3 (mutL homolog 3; minus strand). Cytogenetic location: 14q24.3.
Variant type: single nucleotide variant.
Coding change: c.2320G>A on transcript NM_001040108.2 (MANE Select); coding-DNA position 2320, G replaced by A.
Protein change: p.Glu774Lys; replaces glutamic acid 774 with lysine.
Molecular consequence: missense variant.
Genome position (GRCh38, 1-based): chr14:75,047,336, C>T on the plus strand (G>A on the coding strand, the complement: MLH3 is on the minus strand). VCF-style: chr14-75047336-C-T. GRCh37 (hg19) VCF-style: chr14-75514039-C-T.
Other names: c.2320G>A, p.Glu774Lys (NM_014381.3); short protein forms E774K.
Identifiers: ClinVar variation 4552085 (VCV004552085.1).
Genomic context (GRCh38, chr14:75,047,336, plus strand): 5'-CCTTCAGCAGAATGTCAGGTTCAACTTGAAGACTGAGATTGGTAGTGACTCCATTACTTT[C>T]CTCTACTTCTGTATCCAGAGGATTTTCAACCTTCCCATATTGCCTCTTAAACTTCTCTAA-3'
Protein context (NP_001035197.1, residues 764-784): VENPLDTEVE[Glu774Lys]SNGVTTNLSL

ClinVar aggregate classification (germline): Uncertain significance (1 of 4 stars; one submission).

gnomAD v4.1: 1 of 1,614,142 alleles (0.000062%); highest among the groups gnomAD compares: Non-Finnish European, 0.000085%; no homozygotes.

Submission:

Ambry Genetics
Classification: Uncertain significance. Last evaluated: 2025-10-10. Review status: criteria provided, single submitter. Criteria: Ambry Variant Classification Scheme 2023. Collection method: clinical testing. Allele origin: germline.
Comment: The p.E774K variant (also known as c.2320G>A), located in coding exon 1 of the MLH3 gene, results from a G to A substitution at nucleotide position 2320. The glutamic acid at codon 774 is replaced by lysine, an amino acid with similar properties. This amino acid position is conserved. In addition, this alteration is predicted to be tolerated by in silico analysis. Based on the available evidence, the clinical significance of this variant remains unclear.